The following is an entry in ClinVar:

NM_002336.3(LRP6):c.1423G>A (p.Ala475Thr)

Gene: LRP6 (LDL receptor related protein 6; minus strand). Cytogenetic location: 12p13.2.
Variant type: single nucleotide variant.
Coding change: c.1423G>A on transcript NM_002336.3 (MANE Select); coding-DNA position 1423, G replaced by A.
Protein change: p.Ala475Thr; replaces alanine 475 with threonine.
Molecular consequence: missense variant. On other transcripts: non-coding transcript variant (1).
Genome position (GRCh38, 1-based): chr12:12,179,932, C>T on the plus strand (G>A on the coding strand, the complement: LRP6 is on the minus strand). VCF-style: chr12-12179932-C-T. GRCh37 (hg19) VCF-style: chr12-12332866-C-T.
Other names: c.1423G>A, p.Ala475Thr (NM_001414244.1, NM_001414245.1, NM_001414246.1 and 5 more transcripts); c.1225G>A, p.Ala409Thr (NM_001414247.1); c.970G>A, p.Ala324Thr (NM_001414252.1, NM_001414253.1, NM_001414254.1); short protein forms A324T, A409T, A475T.
Identifiers: ClinVar variation 4701708 (VCV004701708.1).

ClinVar aggregate classification (germline): Uncertain significance (1 of 4 stars; one submission).

Submission:

Labcorp Genetics (formerly Invitae), Labcorp
Classification: Uncertain significance. Last evaluated: 2025-12-09. Review status: criteria provided, single submitter. Criteria: Invitae Variant Classification Sherloc (09022015). Collection method: clinical testing. Allele origin: germline.
Comment: This sequence change replaces alanine, which is neutral and non-polar, with threonine, which is neutral and polar, at codon 475 of the LRP6 protein (p.Ala475Thr). This variant is not present in population databases (gnomAD no frequency). This variant has not been reported in the literature in individuals affected with LRP6-related conditions. Invitae Evidence Modeling of protein sequence and biophysical properties (such as structural, functional, and spatial information, amino acid conservation, physicochemical variation, residue mobility, and thermodynamic stability) indicates that this missense variant is not expected to disrupt LRP6 protein function with a negative predictive value of 80%. In summary, the available evidence is currently insufficient to determine the role of this variant in disease. Therefore, it has been classified as a Variant of Uncertain Significance.